The following is an entry in ClinVar:

NM_001127208.3(TET2):c.3487A>T (p.Ile1163Phe)

Genes: TET2 (tet methylcytosine dioxygenase 2; plus strand), TET2-AS1 (TET2 antisense RNA 1; minus strand). Cytogenetic location: 4q24.
Variant type: single nucleotide variant.
Coding change: c.3487A>T on transcript NM_001127208.3 (MANE Select); coding-DNA position 3487, A replaced by T.
Protein change: p.Ile1163Phe; replaces isoleucine 1163 with phenylalanine.
Molecular consequence: missense variant. On other transcripts: 3 prime UTR variant (1).
Genome position (GRCh38, 1-based): chr4:105,241,416, A>T. VCF-style: chr4-105241416-A-T. GRCh37 (hg19) VCF-style: chr4-106162573-A-T.
Other names: c.*3976A>T (NM_017628.4); short protein forms I1163F.
Identifiers: ClinVar variation 4991496 (VCV004991496.1).

ClinVar aggregate classification (germline): Uncertain significance (1 of 4 stars; one submission).

Conditions:
TET2-related disorder. Also called: TET2-related condition.

Submission:

PreventionGenetics, part of Exact Sciences
Classification: Uncertain significance for TET2-related condition. Last evaluated: 2026-06-15. Review status: criteria provided, single submitter. Criteria: ACMG Guidelines, 2015. Collection method: clinical testing. Allele origin: germline.
Comment: The TET2 c.3487A>T variant is predicted to result in the amino acid substitution p.Ile1163Phe. To our knowledge, this variant has not been reported in the literature or in a large population database (gnomAD), indicating this variant is rare. At this time, the clinical significance of this variant is uncertain due to the absence of conclusive functional and genetic evidence.